The following is an entry in ClinVar:

ClinVar aggregate classification (germline): Uncertain significance. Review status: criteria provided, multiple submitters, no conflicts (2 of 4 stars). 9 submissions from 9 submitters: Uncertain significance (9). Last evaluated 2026-03-25.

Conditions:
Classic or attenuated familial adenomatous polyposis. Identifiers: MedGen CN372698, MONDO:0021057.
Hereditary cancer-predisposing syndrome. Also called: Hereditary neoplastic syndrome; Hereditary Cancer Syndrome; Neoplastic Syndromes, Hereditary; Tumor predisposition. Identifiers: Orphanet 140162, MedGen C0027672, MeSH D009386, MONDO:0015356.
Familial adenomatous polyposis 1 (FAP1). Also called: FAMILIAL ADENOMATOUS POLYPOSIS 1, ATTENUATED; POLYPOSIS, ADENOMATOUS INTESTINAL. Identifiers: MedGen C2713442, MONDO:0021056, OMIM 175100. Disease mechanism: loss of function.

Allele frequency attached by ClinVar (database versions not stated): gnomAD exomes below 0.00001.
gnomAD v4.1: 2 of 1,614,188 alleles (0.00012%); highest among the groups gnomAD compares: Non-Finnish European, 0.00017%; no homozygotes.

Submissions (9):

Women's Health and Genetics/Laboratory Corporation of America, LabCorp
Classification: Uncertain significance. Last evaluated: 2026-03-25. Review status: criteria provided, single submitter. Criteria: LabCorp Variant Classification Summary - May 2015. Collection method: clinical testing. Allele origin: germline.
Comment: Variant summary: APC c.2552G>A (p.Ser851Asn) results in a conservative amino acid change in the encoded protein sequence. Algorithms developed to predict the effect of missense changes on protein structure and function are either unavailable or do not agree on the potential impact of this missense change. The variant was absent in 251190 control chromosomes. The available data on variant occurrences in the general population are insufficient to allow any conclusion about variant significance. To our knowledge, no occurrence of c.2552G>A in individuals affected with APC-related conditions and no experimental evidence demonstrating its impact on protein function have been reported. ClinVar contains an entry for this variant (Variation ID: 537547). Based on the evidence outlined above, the variant was classified as uncertain significance.

Labcorp Genetics (formerly Invitae), Labcorp
Classification: Uncertain significance for Familial adenomatous polyposis 1. Last evaluated: 2025-12-22. Review status: criteria provided, single submitter. Criteria: Invitae Variant Classification Sherloc (09022015). Collection method: clinical testing. Allele origin: germline.
Comment: This sequence change replaces serine, which is neutral and polar, with asparagine, which is neutral and polar, at codon 851 of the APC protein (p.Ser851Asn). This variant is not present in population databases (gnomAD no frequency). This variant has not been reported in the literature in individuals affected with APC-related conditions. ClinVar contains an entry for this variant (Variation ID: 537547). Invitae Evidence Modeling of protein sequence and biophysical properties (such as structural, functional, and spatial information, amino acid conservation, physicochemical variation, residue mobility, and thermodynamic stability) indicates that this missense variant is not expected to disrupt APC protein function with a negative predictive value of 95%. In summary, the available evidence is currently insufficient to determine the role of this variant in disease. Therefore, it has been classified as a Variant of Uncertain Significance.

Color Diagnostics, LLC DBA Color Health
Classification: Uncertain significance for Hereditary cancer-predisposing syndrome. Last evaluated: 2025-08-20. Review status: criteria provided, single submitter. Criteria: ACMG Guidelines, 2015. Collection method: clinical testing. Allele origin: germline.
Comment: This missense variant replaces serine with asparagine at codon 851 of the APC protein. Computational prediction suggests that this variant may not impact protein structure and function. APC is defined as a gene for which primarily truncating variants are known to cause disease (ClinGen HCCP VCEP). To our knowledge, functional studies have not been reported for this variant. This variant has not been reported in individuals affected with APC-related disorders in the literature. This variant has not been identified in the general population by the Genome Aggregation Database (gnomAD). The available evidence is insufficient to determine the role of this variant in disease conclusively. Therefore, this variant is classified as a Variant of Uncertain Significance.

Center for Genomic Medicine, Rigshospitalet, Copenhagen University Hospital
Classification: Uncertain significance. Last evaluated: 2025-03-04. Review status: criteria provided, single submitter. Criteria: ACMG Guidelines, 2015. Collection method: clinical testing. Allele origin: germline.

Ambry Genetics
Classification: Uncertain significance for Hereditary cancer-predisposing syndrome. Last evaluated: 2025-01-24. Review status: criteria provided, single submitter. Criteria: Ambry Variant Classification Scheme 2023. Collection method: clinical testing. Allele origin: germline.
Comment: The p.S851N variant (also known as c.2552G>A), located in coding exon 15 of the APC gene, results from a G to A substitution at nucleotide position 2552. The serine at codon 851 is replaced by asparagine, an amino acid with highly similar properties. This amino acid position is well conserved in available vertebrate species. In addition, in silico predictors for this gene do not accurately predict pathogenicity. Missense alterations in APC are not a common cause of disease (Spier I et al. Genet Med. 2024 Feb;26(2):100992). Based on the available evidence, the clinical significance of this variant remains unclear.

Molecular Diagnostics Laboratory, Catalan Institute of Oncology
Classification: Uncertain significance for Hereditary cancer-predisposing syndrome. Last evaluated: 2024-08-28. Review status: criteria provided, single submitter. Criteria: ClinGen ACMG Specifications APC V1.0.0. Collection method: clinical testing. Allele origin: germline.
Comment: PM2_Supporting, BP1<br/><br/>c.2552G>A, located in exon 16 of the APC gene, is predicted to result in the substitution of serine by asparagine at codon 851, p.(Ser851Asn)(BP1). It is not present in the population database gnomAD v2.1.1, non cancer dataset (PM2_supporting). The SpliceAI algorithm predicts no significant impact on splicing. In addition, the variant was also identified in the ClinVar database (6x uncertain significance) but it has not been identified in the LOVD database. Based on currently available information, the variant c.2552G>A is classified as an uncertain significance variant according to ClinGen-APC Guidelines version v1.

All of Us Research Program, National Institutes of Health
Classification: Uncertain significance for Classic or attenuated familial adenomatous polyposis. Last evaluated: 2024-05-09. Review status: criteria provided, single submitter. Criteria: ACMG Guidelines, 2015. Collection method: clinical testing. Allele origin: germline. Inheritance: Autosomal dominant inheritance. Observed: 3 variant alleles, 3 heterozygotes.
Comment: This missense variant replaces serine with asparagine at codon 851 of the APC protein. Computational prediction suggests that this variant may not impact protein structure and function (internally defined REVEL score threshold <= 0.5, PMID: 27666373). To our knowledge, functional studies have not been reported for this variant. This variant has not been reported in individuals affected with APC-related disorders in the literature. This variant has not been identified in the general population by the Genome Aggregation Database (gnomAD). The available evidence is insufficient to determine the role of this variant in disease conclusively. Therefore, this variant is classified as a Variant of Uncertain Significance.

This study involves interpretation of variants in research participants for the purpose of population health screening. Participant phenotype was not available at the time of variant classification. Additional details can be found in publication PMID: 35346344, PMCID: PMC8962531

Baylor Genetics
Classification: Uncertain significance for Familial adenomatous polyposis 1. Last evaluated: 2023-09-28. Review status: criteria provided, single submitter. Criteria: ACMG Guidelines, 2015. Collection method: clinical testing. Allele origin: unknown.

PreventionGenetics, part of Exact Sciences
Classification: Uncertain significance. Last evaluated: 2018-01-04. Review status: criteria provided, single submitter. Criteria: ACMG Guidelines, 2015. Collection method: clinical testing. Allele origin: germline.

NM_000038.6(APC):c.2552G>A (p.Ser851Asn)

Gene: APC (APC regulator of Wnt signaling pathway; plus strand). Cytogenetic location: 5q22.2.
Variant type: single nucleotide variant.
Coding change: c.2552G>A on transcript NM_000038.6 (MANE Select); coding-DNA position 2552, G replaced by A.
Protein change: p.Ser851Asn; replaces serine 851 with asparagine.
Molecular consequence: missense variant.
Genome position (GRCh38, 1-based): chr5:112,838,146, G>A. VCF-style: chr5-112838146-G-A. GRCh37 (hg19) VCF-style: chr5-112173843-G-A.
Other names: c.2552G>A, p.Ser851Asn (NM_001127510.3, NM_001354895.2); c.2498G>A, p.Ser833Asn (NM_001127511.3); c.2606G>A, p.Ser869Asn (NM_001354896.2); c.2582G>A, p.Ser861Asn (NM_001354897.2); c.2477G>A, p.Ser826Asn (NM_001354898.2); c.2468G>A, p.Ser823Asn (NM_001354899.2); c.2429G>A, p.Ser810Asn (NM_001354900.2); c.2375G>A, p.Ser792Asn (NM_001354901.2); and 5 more; short protein forms S833N, S851N, S792N, S823N, S750N, S826N, S568N, S691N.
Identifiers: ClinVar variation 537547 (VCV000537547.26), dbSNP rs1554084260, ClinGen allele CA16026923.